The following is an entry in ClinVar:

NM_001354604.2(MITF):c.837C>A (p.Asn279Lys)

Gene: MITF (melanocyte inducing transcription factor; plus strand). Cytogenetic location: 3p13.
Variant type: single nucleotide variant.
Coding change: c.837C>A on transcript NM_001354604.2 (MANE Select); coding-DNA position 837, C replaced by A.
Protein change: p.Asn279Lys; replaces asparagine 279 with lysine.
Molecular consequence: missense variant.
Genome position (GRCh38, 1-based): chr3:69,949,125, C>A. VCF-style: chr3-69949125-C-A. GRCh37 (hg19) VCF-style: chr3-69998276-C-A.
Other names: c.516C>A, p.Asn172Lys (NM_000248.4, NM_198158.3); c.681C>A, p.Asn227Lys (NM_001184967.2, NM_001354608.2); c.834C>A, p.Asn278Lys (NM_001354605.2, NM_001354606.2, NM_006722.3); c.786C>A, p.Asn262Lys (NM_001354607.2); c.837C>A, p.Asn279Lys (NM_198159.3); c.789C>A, p.Asn263Lys (NM_198177.3); c.348C>A, p.Asn116Lys (NM_198178.3); short protein forms N116K, N172K, N227K, N262K, N263K, N278K, N279K.
Identifiers: ClinVar variation 1721394 (VCV001721394.5), dbSNP rs2107511439, ClinGen allele CA353561389.

ClinVar aggregate classification (germline): Uncertain significance (1 of 4 stars; one submission).

Conditions:
Tietz syndrome (TADS). Also called: ALBINISM-DEAFNESS OF TIETZ; HYPOPIGMENTATION/DEAFNESS OF TIETZ; TIETZ ALBINISM-DEAFNESS SYNDROME. Identifiers: Orphanet 42665, MedGen C0391816, MONDO:0007077, OMIM 103500.
Waardenburg syndrome type 2A (WS2A). Also called: WAARDENBURG SYNDROME WITHOUT DYSTOPIA CANTHORUM. Identifiers: Orphanet 3440, MedGen C1860339, MONDO:0008671, OMIM 193510.
Melanoma, cutaneous malignant, susceptibility to, 8. Also called: MELANOMA AND RENAL CELL CARCINOMA, SUSCEPTIBILITY TO; Cutaneous malignant melanoma 8. Identifiers: Orphanet 293822, MedGen C3152204, MONDO:0013759, OMIM 614456.

Submission:

Labcorp Genetics (formerly Invitae), Labcorp
Classification: Uncertain significance for Melanoma, cutaneous malignant, susceptibility to, 8; Waardenburg syndrome type 2A; Tietz syndrome. Last evaluated: 2022-10-10. Review status: criteria provided, single submitter. Criteria: Invitae Variant Classification Sherloc (09022015). Collection method: clinical testing. Allele origin: germline.
Comment: This sequence change replaces asparagine, which is neutral and polar, with lysine, which is basic and polar, at codon 172 of the MITF protein (p.Asn172Lys). This variant is not present in population databases (gnomAD no frequency). This variant has not been reported in the literature in individuals affected with MITF-related conditions. Advanced modeling of protein sequence and biophysical properties (such as structural, functional, and spatial information, amino acid conservation, physicochemical variation, residue mobility, and thermodynamic stability) performed at Invitae indicates that this missense variant is not expected to disrupt MITF protein function. In summary, the available evidence is currently insufficient to determine the role of this variant in disease. Therefore, it has been classified as a Variant of Uncertain Significance.